The following is an entry in ClinVar:

ClinVar aggregate classification (germline): Benign/Likely benign. Review status: criteria provided, multiple submitters, no conflicts (2 of 4 stars). 2 submissions from 2 submitters: Benign (1); Likely benign (1). Last evaluated 2024-10-29.

Conditions:
Early-infantile DEE. Also called: Early infantile epileptic encephalopathy; Early infantile epileptic encephalopathy with suppression bursts; Ohtahara syndrome. Identifiers: Orphanet 1934, MedGen C0393706, MONDO:0800491.

Allele frequency attached by ClinVar (database versions not stated): gnomAD exomes 0.00002; gnomAD below 0.00001 and 0.00003; ExAC 0.00003; 1000 Genomes Project 0.00040; TOPMed below 0.00001; 1000 Genomes Project 30x 0.00031.
gnomAD v4.1: 27 of 1,612,648 alleles (0.0017%); highest among the groups gnomAD compares: South Asian, 0.03%; no homozygotes.

Submissions (2):

Labcorp Genetics (formerly Invitae), Labcorp
Classification: Likely benign for Early-infantile DEE. Last evaluated: 2024-10-29. Review status: criteria provided, single submitter. Criteria: Invitae Variant Classification Sherloc (09022015). Collection method: clinical testing. Allele origin: germline.

GeneDx
Classification: Benign. Last evaluated: 2014-03-07. Review status: criteria provided, single submitter. Criteria: GeneDx Variant Classification (06012015). Collection method: clinical testing. Allele origin: germline. Affected: yes.
Comment: This variant is considered likely benign or benign based on one or more of the following criteria: it is a conservative change, it occurs at a poorly conserved position in the protein, it is predicted to be benign by multiple in silico algorithms, and/or has population frequency not consistent with disease.

NM_172107.4(KCNQ2):c.1763+17C>A

Gene: KCNQ2 (potassium voltage-gated channel subfamily Q member 2; minus strand). Cytogenetic location: 20q13.33.
Variant type: single nucleotide variant.
Coding change: c.1763+17C>A on transcript NM_172107.4 (MANE Select); 17 bases into the intron after coding-DNA position 1763, C replaced by A.
Molecular consequence: intron variant.
Genome position (GRCh38, 1-based): chr20:63,413,433, G>T on the plus strand (C>A on the coding strand, the complement: KCNQ2 is on the minus strand). VCF-style: chr20-63413433-G-T. GRCh37 (hg19) VCF-style: chr20-62044786-G-T.
Other names: c.1676+17C>A (NM_001439004.1); c.1679+17C>A (NM_004518.6); c.1670+17C>A (NM_172108.5); c.1706+17C>A (NM_001439003.1); c.1709+17C>A (NM_172106.3, NM_001382235.1).
Identifiers: ClinVar variation 138027 (VCV000138027.9), dbSNP rs548507063, ClinGen allele CA291804.
Genomic context (GRCh38, chr20:63,413,433, plus strand): 5'-CATGGGCCACAGTGGGCTTTGTCCCAGAAGCCCACCCCGTTCTTGTCCCCTGCTGGACAG[G>T]CAGGCGGGGCTCTTGCCTGGACTGCAGGCTCTTAATTCGGGACAGCATGTCCAGGTGGCC-3'